The following is an entry in ClinVar:

NM_001166108.2(PALLD):c.1965-12636G>T

Gene: PALLD (palladin, cytoskeletal associated protein; plus strand). Cytogenetic location: 4q32.3.
Variant type: single nucleotide variant.
Coding change: c.1965-12636G>T on transcript NM_001166108.2 (MANE Select); 12636 bases into the intron before coding-DNA position 1965, G replaced by T.
Molecular consequence: intron variant. On other transcripts: missense variant (1).
Genome position (GRCh38, 1-based): chr4:168,878,286, G>T. VCF-style: chr4-168878286-G-T. GRCh37 (hg19) VCF-style: chr4-169799437-G-T.
Other names: c.395G>T, p.Arg132Leu (NM_001166110.2); c.1965-12636G>T (NM_016081.4); c.819-12636G>T (NM_001166109.2); c.-157-12636G>T (NM_001367570.1, NM_001367568.1, NM_001367567.1 and 1 more transcripts); short protein forms R132L.
Identifiers: ClinVar variation 3885353 (VCV003885353.1).

ClinVar aggregate classification (germline): Uncertain significance (1 of 4 stars; one submission).

Submission:

Ambry Genetics
Classification: Uncertain significance. Last evaluated: 2025-02-22. Review status: criteria provided, single submitter. Criteria: Ambry Variant Classification Scheme 2023. Collection method: clinical testing. Allele origin: germline.
Comment: The p.R132L variant (also known as c.395G>T), located in coding exon 1 of the PALLD gene, results from a G to T substitution at nucleotide position 395. The arginine at codon 132 is replaced by leucine, an amino acid with dissimilar properties. This amino acid position is conserved. In addition, this alteration is predicted to be tolerated by in silico analysis. Based on the available evidence, the clinical significance of this variant remains unclear.